The following is an entry in ClinVar:

ClinVar aggregate classification (germline): Uncertain significance. Review status: criteria provided, multiple submitters, no conflicts (2 of 4 stars). 3 submissions from 3 submitters: Uncertain significance (3). Last evaluated 2025-12-12.

Conditions:
Colorectal cancer, susceptibility to, 12 (CRCS12). Also called: COLORECTAL CANCER, SUSCEPTIBILITY TO, ON CHROMOSOME 12q24. Identifiers: Orphanet 220460, MedGen C3554460, MONDO:0014038, OMIM 615083.
Hereditary cancer-predisposing syndrome. Also called: Neoplastic Syndromes, Hereditary; Tumor predisposition; Hereditary neoplastic syndrome; Hereditary Cancer Syndrome. Identifiers: Orphanet 140162, MedGen C0027672, MeSH D009386, MONDO:0015356.

Submissions (3):

Labcorp Genetics (formerly Invitae), Labcorp
Classification: Uncertain significance. Last evaluated: 2025-12-12. Review status: criteria provided, single submitter. Criteria: Invitae Variant Classification Sherloc (09022015). Collection method: clinical testing. Allele origin: germline.
Comment: This sequence change replaces threonine, which is neutral and polar, with alanine, which is neutral and non-polar, at codon 357 of the POLE protein (p.Thr357Ala). This variant is not present in population databases (gnomAD no frequency). This variant has not been reported in the literature in individuals affected with POLE-related conditions. ClinVar contains an entry for this variant (Variation ID: 643276). Invitae Evidence Modeling of protein sequence and biophysical properties (such as structural, functional, and spatial information, amino acid conservation, physicochemical variation, residue mobility, and thermodynamic stability) indicates that this missense variant is not expected to disrupt POLE protein function with a negative predictive value of 80%. In summary, the available evidence is currently insufficient to determine the role of this variant in disease. Therefore, it has been classified as a Variant of Uncertain Significance.

Ambry Genetics
Classification: Uncertain significance for Hereditary cancer-predisposing syndrome. Last evaluated: 2025-03-26. Review status: criteria provided, single submitter. Criteria: Ambry Variant Classification Scheme 2023. Collection method: clinical testing. Allele origin: germline.
Comment: The p.T357A variant (also known as c.1069A>G), located in coding exon 11 of the POLE gene, results from an A to G substitution at nucleotide position 1069. The threonine at codon 357 is replaced by alanine, an amino acid with similar properties. This amino acid position is not well conserved in available vertebrate species. In addition, this alteration is predicted to be tolerated by in silico analysis. Based on the available evidence, the clinical significance of this variant remains unclear.

Baylor Genetics
Classification: Uncertain significance for Colorectal cancer, susceptibility to, 12. Last evaluated: 2024-02-14. Review status: criteria provided, single submitter. Criteria: ACMG Guidelines, 2015. Collection method: clinical testing. Allele origin: unknown.

NM_006231.4(POLE):c.1069A>G (p.Thr357Ala)

Gene: POLE (DNA polymerase epsilon, catalytic subunit; minus strand). Cytogenetic location: 12q24.33.
Variant type: single nucleotide variant.
Coding change: c.1069A>G on transcript NM_006231.4 (MANE Select); coding-DNA position 1069, A replaced by G.
Protein change: p.Thr357Ala; replaces threonine 357 with alanine.
Molecular consequence: missense variant.
Genome position (GRCh38, 1-based): chr12:132,675,772, T>C on the plus strand (A>G on the coding strand, the complement: POLE is on the minus strand). VCF-style: chr12-132675772-T-C. GRCh37 (hg19) VCF-style: chr12-133252358-T-C.
Other names: short protein forms T357A.
Identifiers: ClinVar variation 643276 (VCV000643276.15), dbSNP rs1593077507, ClinGen allele CA387361499.